The following is an entry in ClinVar:

ClinVar aggregate classification (germline): Uncertain significance (1 of 4 stars; one submission).

Conditions:
Arrhythmogenic right ventricular dysplasia 8 (ARVD8). Also called: Arrhythmogenic Right Ventricular Dysplasia/Cardiomyopathy 8; ARRHYTHMOGENIC RIGHT VENTRICULAR DYSPLASIA, FAMILIAL, 8; ARRHYTHMOGENIC RIGHT VENTRICULAR CARDIOMYOPATHY 8. Identifiers: MedGen C1843896, MONDO:0011831, OMIM 607450.
Arrhythmogenic cardiomyopathy with wooly hair and keratoderma. Also called: Arrhythmogenic cardiomyopathy with woolly hair and keratoderma; Carvajal syndrome; Dilated cardiomyopathy with woolly hair and keratoderma; PALMOPLANTAR KERATODERMA WITH LEFT VENTRICULAR CARDIOMYOPATHY AND WOOLLY HAIR. Identifiers: Orphanet 65282, MedGen C1854063, MONDO:0011581, OMIM 605676.

Submission:

Labcorp Genetics (formerly Invitae), Labcorp
Classification: Uncertain significance for Arrhythmogenic cardiomyopathy with wooly hair and keratoderma; Arrhythmogenic right ventricular dysplasia 8. Last evaluated: 2022-06-10. Review status: criteria provided, single submitter. Criteria: Invitae Variant Classification Sherloc (09022015). Collection method: clinical testing. Allele origin: germline.
Comment: In summary, the available evidence is currently insufficient to determine the role of this variant in disease. Therefore, it has been classified as a Variant of Uncertain Significance. Algorithms developed to predict the effect of missense changes on protein structure and function are either unavailable or do not agree on the potential impact of this missense change (SIFT: "Deleterious"; PolyPhen-2: "Probably Damaging"; Align-GVGD: "Class C0"). This variant has not been reported in the literature in individuals affected with DSP-related conditions. This variant is not present in population databases (gnomAD no frequency). This sequence change replaces isoleucine, which is neutral and non-polar, with serine, which is neutral and polar, at codon 283 of the DSP protein (p.Ile283Ser).

NM_004415.4(DSP):c.848T>G (p.Ile283Ser)

Gene: DSP (desmoplakin; plus strand). Cytogenetic location: 6p24.3.
Variant type: single nucleotide variant.
Coding change: c.848T>G on transcript NM_004415.4 (MANE Select); coding-DNA position 848, T replaced by G.
Protein change: p.Ile283Ser; replaces isoleucine 283 with serine.
Molecular consequence: missense variant.
Genome position (GRCh38, 1-based): chr6:7,565,429, T>G. VCF-style: chr6-7565429-T-G. GRCh37 (hg19) VCF-style: chr6-7565662-T-G.
Other names: c.848T>G, p.Ile283Ser (NM_001008844.3, NM_001319034.2, NM_001406591.1); short protein forms I283S.
Identifiers: ClinVar variation 1946930 (VCV001946930.5), dbSNP rs2533872365, ClinGen allele CA362674328.